The following is an entry in ClinVar:

NM_001130987.2(DYSF):c.5010C>T (p.Phe1670=)

Gene: DYSF (dysferlin; plus strand). Cytogenetic location: 2p13.2.
Variant type: single nucleotide variant.
Coding change: c.5010C>T on transcript NM_001130987.2 (MANE Select); coding-DNA position 5010, C replaced by T.
Protein change: p.Phe1670=; no amino-acid change (phenylalanine 1670 retained).
Molecular consequence: synonymous variant.
Genome position (GRCh38, 1-based): chr2:71,664,274, C>T. VCF-style: chr2-71664274-C-T. GRCh37 (hg19) VCF-style: chr2-71891404-C-T.
Other names: c.4896C>T, p.Phe1632= (NM_001130455.2); c.4851C>T, p.Phe1617= (NM_001130976.2); c.4914C>T, p.Phe1638= (NM_001130977.2); c.4956C>T, p.Phe1652= (NM_001130978.2); c.4986C>T, p.Phe1662= (NM_001130979.2); c.4944C>T, p.Phe1648= (NM_001130980.2); c.5007C>T, p.Phe1669= (NM_001130981.2); c.4989C>T, p.Phe1663= (NM_001130982.2); and 5 more.
Identifiers: ClinVar variation 197521 (VCV000197521.51), dbSNP rs151276652, ClinGen allele CA245726.

ClinVar aggregate classification (germline): Conflicting classifications of pathogenicity. Review status: criteria provided, conflicting classifications (1 of 4 stars). 5 submissions from 5 submitters: Uncertain significance (1); Likely benign (3). 1 of the submissions does not count toward it. Last evaluated 2026-01-17.

Conditions:
Neuromuscular disease caused by qualitative or quantitative defects of dysferlin. Also called: Dysferlinopathy; Qualitative or quantitative defects of dysferlin. Identifiers: Orphanet 207073, MedGen C2931687, MONDO:0016145.
Autosomal recessive limb-girdle muscular dystrophy type 2B (LGMDR2). Also called: Limb-girdle muscular dystrophy, type 2B; MUSCULAR DYSTROPHY, LIMB-GIRDLE, TYPE 3; MUSCULAR DYSTROPHY, LIMB-GIRDLE, AUTOSOMAL RECESSIVE 2; Limb-Girdle Muscular Dystrophy Type 2B (LGMD2B). Identifiers: Orphanet 268, MedGen C1850889, MONDO:0009676, OMIM 253601.

Allele frequency attached by ClinVar (database versions not stated): gnomAD 0.00013 and 0.00014; TOPMed 0.00017; ESP Exome Variant Server 0.00031.
gnomAD v4.1: 353 of 1,613,918 alleles (0.022%); highest among the groups gnomAD compares: Non-Finnish European, 0.027%; no homozygotes.

Submissions (5):

Labcorp Genetics (formerly Invitae), Labcorp
Classification: Likely benign for Neuromuscular disease caused by qualitative or quantitative defects of dysferlin. Last evaluated: 2026-01-17. Review status: criteria provided, single submitter. Criteria: Invitae Variant Classification Sherloc (09022015). Collection method: clinical testing. Allele origin: germline.

Blueprint Genetics
Classification: Likely benign. Last evaluated: 2024-06-28. Review status: criteria provided, single submitter. Criteria: ACMG Guidelines, 2015. Collection method: clinical testing. Allele origin: germline.

CeGaT Center for Human Genetics Tuebingen
Classification: Likely benign. Last evaluated: 2022-09-01. Review status: criteria provided, single submitter. Criteria: CeGaT Center For Human Genetics Tuebingen Variant Classification Criteria Version 2. Collection method: clinical testing. Allele origin: germline. Affected: yes. Observed: 2 variant alleles.
Comment: DYSF: BP4, BP7

Eurofins Ntd Llc (ga)
Classification: Uncertain significance. Last evaluated: 2016-07-14. Review status: criteria provided, single submitter. Criteria: EGL Classification Definitions 2015. Collection method: clinical testing. Allele origin: germline. Observed: 3 variant alleles, 3 heterozygotes.

Natera, Inc.
Classification: Likely benign for Limb-girdle muscular dystrophy type 2B. Last evaluated: 2020-02-21. Review status: no assertion criteria provided. Collection method: clinical testing. Allele origin: germline. Not counted in ClinVar's aggregate classification.